The following is an entry in ClinVar:

ClinVar aggregate classification (germline): Uncertain significance (1 of 4 stars; one submission).

gnomAD v4.1: 3 of 1,614,164 alleles (0.00019%); highest among the groups gnomAD compares: Non-Finnish European, 0.00017%; no homozygotes.

Submission:

Labcorp Genetics (formerly Invitae), Labcorp
Classification: Uncertain significance. Last evaluated: 2025-11-25. Review status: criteria provided, single submitter. Criteria: Invitae Variant Classification Sherloc (09022015). Collection method: clinical testing. Allele origin: germline.
Comment: This sequence change affects codon 667 of the DUOX2 mRNA. It is a 'silent' change, meaning that it does not change the encoded amino acid sequence of the DUOX2 protein. This variant is not present in population databases (gnomAD no frequency). This variant has not been reported in the literature in individuals affected with DUOX2-related conditions. Algorithms developed to predict the effect of sequence changes on RNA splicing suggest that this variant may create or strengthen a splice site. In summary, the available evidence is currently insufficient to determine the role of this variant in disease. Therefore, it has been classified as a Variant of Uncertain Significance.

NM_001363711.2(DUOX2):c.2001G>T (p.Leu667=)

Gene: DUOX2 (dual oxidase 2; minus strand). Cytogenetic location: 15q21.1.
Variant type: single nucleotide variant.
Coding change: c.2001G>T on transcript NM_001363711.2 (MANE Select); coding-DNA position 2001, G replaced by T.
Protein change: p.Leu667=; no amino-acid change (leucine 667 retained).
Molecular consequence: synonymous variant.
Genome position (GRCh38, 1-based): chr15:45,106,272, C>A on the plus strand (G>T on the coding strand, the complement: DUOX2 is on the minus strand). VCF-style: chr15-45106272-C-A. GRCh37 (hg19) VCF-style: chr15-45398470-C-A.
Other names: c.2001G>T, p.Leu667= (NM_014080.5).
Identifiers: ClinVar variation 4768792 (VCV004768792.1).